The following is an entry in ClinVar:

NM_170675.5(MEIS2):c.525del (p.Arg174_Tyr175insTer)

Gene: MEIS2 (Meis homeobox 2; minus strand). Cytogenetic location: 15q14.
Variant type: Deletion.
Coding change: c.525del on transcript NM_170675.5 (MANE Select); coding-DNA position 525, one base deleted (C; older notation c.525delC).
Protein change: p.Arg174_Tyr175insTer.
Molecular consequence: nonsense. On other transcripts: non-coding transcript variant (1).
Genome position (GRCh38, 1-based): chr15:37,093,695, G deleted on the plus strand (C on the coding strand, the reverse complement: MEIS2 is on the minus strand). VCF-style (leftmost placement, unchanged base first): chr15-37093694-TG-T. GRCh37 (hg19) VCF-style: chr15-37385895-TG-T.
Other names: c.525del, p.Arg174_Tyr175insTer (NM_001220482.2, NM_170674.5, NM_170676.5 and 1 more transcripts); c.486del, p.Arg161_Tyr162insTer (NM_002399.4, NM_172315.3); c.261del, p.Arg86_Tyr87insTer (NM_172316.3); c.525delC (NM_170675.5).
Identifiers: ClinVar variation 2664338 (VCV002664338.2), dbSNP rs2505227410, ClinGen allele CA2695197261.

ClinVar aggregate classification (germline): Likely pathogenic (0 of 4 stars; one submission).

Conditions:
Cardiac malformation, cleft lip/palate, microcephaly, and digital anomalies. Also called: CLEFT PALATE, CARDIAC DEFECTS, AND IMPAIRED INTELLECTUAL DEVELOPMENT. Identifiers: MedGen C1832950, MONDO:0010970, OMIM 600987.

Submission:

Diagnostics Centre, Carl Von Ossietzky University Oldenburg
Classification: Likely pathogenic for Cardiac malformation, cleft lip/palate, microcephaly, and digital anomalies. Last evaluated: 2023-08-25. Review status: no assertion criteria provided. Collection method: clinical testing. Allele origin: maternal. Affected: yes. Observed: 2 variant alleles.
Comment: The variant MEIS2:c.525del, p.(Tyr175Ter), which is located in the coding exon 6 of the MEIS2 gene, results from a deletion of a cytosine at nucleotide position 525. The tyrosine at protein position 175 is replaced by a premature stop codon that is predicted to cause non-sense mediated decay. This variant is classified as very rare in the overall population (no carriers reported in gnomAD, gnomAD V3.1.2 ). The variant is classified as Likely pathogenic.